The following is an entry in ClinVar:

ClinVar aggregate classification (germline): Pathogenic (1 of 4 stars; one submission).

Conditions:
Primary ciliary dyskinesia. Also called: Ciliary dyskinesia. Identifiers: Orphanet 244, MedGen C0008780, MONDO:0016575, HP:0012265.

gnomAD v4.1: 1 of 1,613,628 alleles (0.000062%); highest among the groups gnomAD compares: Non-Finnish European, 0.000085%; no homozygotes.

Submission:

Labcorp Genetics (formerly Invitae), Labcorp
Classification: Pathogenic for Primary ciliary dyskinesia. Last evaluated: 2025-09-14. Review status: criteria provided, single submitter. Criteria: Invitae Variant Classification Sherloc (09022015). Collection method: clinical testing. Allele origin: germline.
Comment: This sequence change creates a premature translational stop signal (p.Trp1543*) in the DNAH11 gene. It is expected to result in an absent or disrupted protein product. Loss-of-function variants in DNAH11 are known to be pathogenic (PMID: 18022865, 20513915, 22184204). This variant is not present in population databases (gnomAD no frequency). This variant has not been reported in the literature in individuals affected with DNAH11-related conditions. For these reasons, this variant has been classified as Pathogenic.

Literature cited by the submitters: PubMed 18022865; PubMed 20513915; PubMed 22184204.

NM_001277115.2(DNAH11):c.4628G>A (p.Trp1543Ter)

Gene: DNAH11 (dynein axonemal heavy chain 11; plus strand). Cytogenetic location: 7p15.3.
Variant type: single nucleotide variant.
Coding change: c.4628G>A on transcript NM_001277115.2 (MANE Select); coding-DNA position 4628, G replaced by A.
Protein change: p.Trp1543Ter; replaces tryptophan 1543 with a stop codon.
Molecular consequence: nonsense.
Genome position (GRCh38, 1-based): chr7:21,635,998, G>A. VCF-style: chr7-21635998-G-A. GRCh37 (hg19) VCF-style: chr7-21675616-G-A.
Other names: short protein forms W1543*.
Identifiers: ClinVar variation 4808827 (VCV004808827.1).